The following is an entry in ClinVar:

ClinVar aggregate classification (germline): Uncertain significance. Review status: criteria provided, multiple submitters, no conflicts (2 of 4 stars). 2 submissions from 2 submitters: Uncertain significance (2). Last evaluated 2026-08-22.

Conditions:
Inborn genetic diseases. Identifiers: MedGen C0950123, MeSH D030342.

Submissions (2):

Ambry Genetics
Classification: Uncertain significance for Inborn genetic diseases. Last evaluated: 2026-08-22. Review status: criteria provided, single submitter. Criteria: Ambry Variant Classification Scheme 2023. Collection method: clinical testing. Allele origin: germline.
Comment: The p.K452N variant (also known as c.1356G>T), located in coding exon 5 of the MBD4 gene, results from a G to T substitution at nucleotide position 1356. The lysine at codon 452 is replaced by asparagine, an amino acid with similar properties. This amino acid position is conserved. In addition, the in silico prediction for this alteration is inconclusive. Based on the available evidence, the clinical significance of this variant remains unclear.

Labcorp Genetics (formerly Invitae), Labcorp
Classification: Uncertain significance. Last evaluated: 2025-08-17. Review status: criteria provided, single submitter. Criteria: Invitae Variant Classification Sherloc (09022015). Collection method: clinical testing. Allele origin: germline.
Comment: This sequence change replaces lysine, which is basic and polar, with asparagine, which is neutral and polar, at codon 458 of the MBD4 protein (p.Lys458Asn). This variant is not present in population databases (gnomAD no frequency). This variant has not been reported in the literature in individuals affected with MBD4-related conditions. An algorithm developed to predict the effect of missense changes on protein structure and function (PolyPhen-2) suggests that this variant is likely to be disruptive. In summary, the available evidence is currently insufficient to determine the role of this variant in disease. Therefore, it has been classified as a Variant of Uncertain Significance.

NM_001276270.2(MBD4):c.1356G>T (p.Lys452Asn)

Gene: MBD4 (methyl-CpG binding domain 4, DNA glycosylase; minus strand). Cytogenetic location: 3q21.3.
Variant type: single nucleotide variant.
Coding change: c.1356G>T on transcript NM_001276270.2 (MANE Select); coding-DNA position 1356, G replaced by T.
Protein change: p.Lys452Asn; replaces lysine 452 with asparagine.
Molecular consequence: missense variant.
Genome position (GRCh38, 1-based): chr3:129,433,887, C>A on the plus strand (G>T on the coding strand, the complement: MBD4 is on the minus strand). VCF-style: chr3-129433887-C-A. GRCh37 (hg19) VCF-style: chr3-129152730-C-A.
Other names: c.1374G>T, p.Lys458Asn (NM_001276271.2, NM_001276272.2, NM_003925.3); c.420G>T, p.Lys140Asn (NM_001276273.2); short protein forms K452N, K140N, K458N.
Identifiers: ClinVar variation 4710239 (VCV004710239.2).